The following is an entry in ClinVar:

NM_003239.5(TGFB3):c.-5C>G

Gene: TGFB3 (transforming growth factor beta 3; minus strand). Cytogenetic location: 14q24.3.
Variant type: single nucleotide variant.
Coding change: c.-5C>G on transcript NM_003239.5 (MANE Select); 5 bases upstream of the start codon, C replaced by G.
Molecular consequence: 5 prime UTR variant.
Genome position (GRCh38, 1-based): chr14:75,980,898, G>C on the plus strand (C>G on the coding strand, the complement: TGFB3 is on the minus strand). VCF-style: chr14-75980898-G-C. GRCh37 (hg19) VCF-style: chr14-76447241-G-C.
Other names: c.-5C>G (NM_001329938.2, NM_001329939.2).
Identifiers: ClinVar variation 4183558 (VCV004183558.1).

ClinVar aggregate classification (germline): Uncertain significance (1 of 4 stars; one submission).

Conditions:
Familial thoracic aortic aneurysm and aortic dissection (TAAD). Also called: Thoracic aortic aneurysms and dissections. Identifiers: Orphanet 91387, MedGen C4707243, MONDO:0019625.

gnomAD v4.1: 1 of 1,613,526 alleles (0.000062%); highest among the groups gnomAD compares: Middle Eastern, 0.017%; no homozygotes.

Submission:

Ambry Genetics
Classification: Uncertain significance for Familial thoracic aortic aneurysm and aortic dissection. Last evaluated: 2025-09-05. Review status: criteria provided, single submitter. Criteria: Ambry Variant Classification Scheme 2023. Collection method: clinical testing. Allele origin: germline.
Comment: The c.-5C>G variant is located in the 5' untranslated region (5&rsquo; UTR) of the TGFB3 gene. This variant results from a C to G substitution 5 bases upstream from the first translated codon. This nucleotide position is well conserved in available vertebrate species. Based on the available evidence, the clinical significance of this variant remains unclear.